The following is an entry in ClinVar:

NM_001372106.1(DNAH10):c.10201G>A (p.Ala3401Thr)

Gene: DNAH10 (dynein axonemal heavy chain 10; plus strand). Cytogenetic location: 12q24.31.
Variant type: single nucleotide variant.
Coding change: c.10201G>A on transcript NM_001372106.1 (MANE Select); coding-DNA position 10201, G replaced by A.
Protein change: p.Ala3401Thr; replaces alanine 3401 with threonine.
Molecular consequence: missense variant.
Genome position (GRCh38, 1-based): chr12:123,913,164, G>A. VCF-style: chr12-123913164-G-A. GRCh37 (hg19) VCF-style: chr12-124397711-G-A.
Other names: c.9847G>A, p.Ala3283Thr (NM_001083900.1, NM_207437.3); short protein forms A3283T, A3401T.
Identifiers: ClinVar variation 2643536 (VCV002643536.24), dbSNP rs773202712, ClinGen allele CA6865309.

ClinVar aggregate classification (germline): Uncertain significance (1 of 4 stars; one submission).

Allele frequency attached by ClinVar (database versions not stated): ExAC 0.00001; gnomAD exomes 0.00001.
gnomAD v4.1: 3 of 1,611,788 alleles (0.00019%); highest among the groups gnomAD compares: Non-Finnish European, 0.00025%; no homozygotes.

Submission:

CeGaT Center for Human Genetics Tuebingen
Classification: Uncertain significance. Last evaluated: 2023-08-01. Review status: criteria provided, single submitter. Criteria: CeGaT Center For Human Genetics Tuebingen Variant Classification Criteria Version 2. Collection method: clinical testing. Allele origin: germline. Affected: yes. Observed: 1 variant allele.
Comment: DNAH10: PS2:Moderate, BP4